The following is an entry in ClinVar:

ClinVar aggregate classification (germline): Uncertain significance (1 of 4 stars; one submission).

Allele frequency attached by ClinVar (database versions not stated): TOPMed below 0.00001; gnomAD exomes 0.00001; gnomAD 0.00003; ExAC 0.00004; 1000 Genomes Project 30x 0.00016; 1000 Genomes Project 0.00020.
gnomAD v4.1: 24 of 1,614,050 alleles (0.0015%); highest among the groups gnomAD compares: South Asian, 0.023%; no homozygotes.

Submission:

Labcorp Genetics (formerly Invitae), Labcorp
Classification: Uncertain significance. Last evaluated: 2023-08-10. Review status: criteria provided, single submitter. Criteria: Invitae Variant Classification Sherloc (09022015). Collection method: clinical testing. Allele origin: germline.
Comment: This sequence change replaces glutamic acid, which is acidic and polar, with alanine, which is neutral and non-polar, at codon 1379 of the RP1 protein (p.Glu1379Ala). This variant is present in population databases (rs576421254, gnomAD 0.02%). This variant has not been reported in the literature in individuals affected with RP1-related conditions. ClinVar contains an entry for this variant (Variation ID: 1918759). An algorithm developed to predict the effect of missense changes on protein structure and function (PolyPhen-2) suggests that this variant is likely to be tolerated. In summary, the available evidence is currently insufficient to determine the role of this variant in disease. Therefore, it has been classified as a Variant of Uncertain Significance.

NM_006269.2(RP1):c.4136A>C (p.Glu1379Ala)

Gene: RP1 (RP1 axonemal microtubule associated; plus strand). Cytogenetic location: 8q12.1.
Variant type: single nucleotide variant.
Coding change: c.4136A>C on transcript NM_006269.2 (MANE Select); coding-DNA position 4136, A replaced by C.
Protein change: p.Glu1379Ala; replaces glutamic acid 1379 with alanine.
Molecular consequence: missense variant. On other transcripts: intron variant (1).
Genome position (GRCh38, 1-based): chr8:54,628,018, A>C. VCF-style: chr8-54628018-A-C. GRCh37 (hg19) VCF-style: chr8-55540578-A-C.
Other names: c.787+5730A>C (NM_001375654.1); short protein forms E1379A.
Identifiers: ClinVar variation 1918759 (VCV001918759.5), dbSNP rs576421254, ClinGen allele CA4751806.
Genomic context (GRCh38, chr8:54,628,018, plus strand): 5'-CTGAAGAGTTAGAAAGAGGTGATGACATTCAGAAAGATCTAAATATTTTGACAGACCCTG[A>C]ATATAAAAATGGATTTAATACATTGGTGTCACATCAAAATGTCAGTAATTTAAGCTCCTG-3'
Protein context (NP_006260.1, residues 1369-1389): QKDLNILTDP[Glu1379Ala]YKNGFNTLVS